The following is an entry in ClinVar:

ClinVar aggregate classification (germline): other (1 of 4 stars; one submission).

Conditions:
Motor neuron disease. Also called: Degenerative motor system disease; Motor neuron disorder. Identifiers: Orphanet 98503, MedGen C0085084, MONDO:0020128.

Submission:

Centre for Genomic and Experimental Medicine, University of Edinburgh
Classification: other for Motor neuron disease. Last evaluated: 2016-08-31. Review status: criteria provided, single submitter. Criteria: Submitter's publication. Collection method: case-control. Allele origin: unknown. Affected: yes. Observed: 1 heterozygote.
Comment: Loss-of-function but lacking segregation data

Literature cited by the submitters: PubMed 28089114.

NM_013254.4(TBK1):c.2115_2127del (p.Glu706fs)

Gene: TBK1 (TANK binding kinase 1; plus strand). Cytogenetic location: 12q14.2.
Variant type: Deletion.
Coding change: c.2115_2127del on transcript NM_013254.4 (MANE Select); coding-DNA positions 2115 to 2127, 13 bases deleted (TGAAAATAACCAC).
Protein change: p.Glu706fs; shifts the reading frame from glutamic acid 706.
Molecular consequence: frameshift variant.
Genome position (GRCh38, 1-based): chr12:64,498,016-64,498,028, TGAAAATAACCAC deleted; deleting any 13 consecutive bases within chr12:64,498,015-64,498,028 gives the same sequence; the c. name uses the placement nearest the transcript's 3' end. VCF-style (leftmost placement, unchanged base first): chr12-64498014-GCTGAAAATAACCA-G. GRCh37 (hg19) VCF-style: chr12-64891794-GCTGAAAATAACCA-G.
Other names: c.2115_2127del, p.Glu706fs (LRG_1306t1); short protein forms E706fs.
Identifiers: ClinVar variation 266067 (VCV000266067.1), dbSNP rs1131690784, ClinGen allele CA645369521.
Genomic context (GRCh38, chr12:64,498,014, plus strand): 5'-GTTTATTTTATTAGTATGAAGAAATTAAAGGAAGAGATGGAAGGGGTGGTTAAAGAACTT[GCTGAAAATAACCA>G]CATTTTAGAAAGGTGAGTAATGCAAAAATAATTACTGTGATTTTCTGTGCAATTGAGTTC-3'